The following is an entry in ClinVar:

NC_000015.9:g.(?_44876002)_(44876766_?)del

Gene: SPG11 (SPG11 vesicle trafficking associated, spatacsin; minus strand). Cytogenetic location: 15q21.1.
Variant type: Deletion.
Identifiers: ClinVar variation 1072253 (VCV001072253.5).

ClinVar aggregate classification (germline): Pathogenic (1 of 4 stars; one submission).

Conditions:
Hereditary spastic paraplegia 11. Also called: SPASTIC PARAPLEGIA, AUTOSOMAL RECESSIVE, COMPLICATED, WITH THIN CORPUS CALLOSUM; SPASTIC PARAPLEGIA, AUTOSOMAL RECESSIVE, WITH MENTAL IMPAIRMENT AND THIN CORPUS CALLOSUM; Nakamura Osame syndrome; Autosomal recessive hereditary spastic paraplegia, mental impairment, and thin corpus callosum; Spastic paraplegia, mental retardation and thin corpus callosum; Spastic Paraplegia 11. Identifiers: Orphanet 2822, MedGen C1858479, MONDO:0011445, OMIM 604360.

Submission:

Labcorp Genetics (formerly Invitae), Labcorp
Classification: Pathogenic for Hereditary spastic paraplegia 11. Last evaluated: 2020-07-31. Review status: criteria provided, single submitter. Criteria: Invitae Variant Classification Sherloc (09022015). Collection method: clinical testing. Allele origin: germline.
Comment: For these reasons, this variant has been classified as Pathogenic. Loss-of-function variants in SPG11 are known to be pathogenic (PMID: 19105190, 20110243, 22154821). This variant is an out-of-frame deletion of the genomic region encompassing exon(s) 30 of the SPG11 gene. This is expected to create a premature translational stop signal and result in an absent or disrupted protein product. This variant has not been reported in the literature in individuals with SPG11-related conditions.

Literature cited by the submitters: PubMed 19105190; PubMed 20110243; PubMed 22154821.